The following is an entry in ClinVar:

NM_015978.3(TNNI3K):c.71_72del (p.Tyr24fs)

Genes: FPGT-TNNI3K (FPGT-TNNI3K readthrough; plus strand), TNNI3K (TNNI3 interacting kinase; plus strand). Cytogenetic location: 1p31.1.
Variant type: Microsatellite.
Coding change: c.71_72del on transcript NM_015978.3 (MANE Select); coding-DNA positions 71 to 72, 2 bases deleted (AT; older notation c.71_72delAT).
Protein change: p.Tyr24fs; shifts the reading frame from tyrosine 24.
Molecular consequence: frameshift variant.
Genome position (GRCh38, 1-based): chr1:74,236,132-74,236,133, AT deleted; deleting any 2 consecutive bases within chr1:74,236,130-74,236,133 gives the same sequence; the c. name uses the placement nearest the transcript's 3' end. VCF-style (leftmost placement, unchanged base first): chr1-74236129-CAT-C. GRCh37 (hg19) VCF-style: chr1-74701813-CAT-C.
Other names: c.374_375del, p.Tyr125fs (NM_001112808.3, NM_001199327.2); short protein forms Y24fs, Y125fs.
Identifiers: ClinVar variation 4697914 (VCV004697914.1).

ClinVar aggregate classification (germline): Uncertain significance (1 of 4 stars; one submission).

Submission:

Labcorp Genetics (formerly Invitae), Labcorp
Classification: Uncertain significance. Last evaluated: 2025-05-08. Review status: criteria provided, single submitter. Criteria: Invitae Variant Classification Sherloc (09022015). Collection method: clinical testing. Allele origin: germline.
Comment: This sequence change creates a premature translational stop signal (p.Tyr24Cysfs*10) in the TNNI3K gene. It is expected to result in an absent or disrupted protein product. However, the current clinical and genetic evidence is not sufficient to establish whether loss-of-function variants in TNNI3K cause disease. This variant is not present in population databases (gnomAD no frequency). This variant has not been reported in the literature in individuals affected with TNNI3K-related conditions. Experimental studies and prediction algorithms are not available or were not evaluated, and the functional significance of this variant is currently unknown. In summary, the available evidence is currently insufficient to determine the role of this variant in disease. Therefore, it has been classified as a Variant of Uncertain Significance.